The following is an entry in ClinVar:

ClinVar aggregate classification (germline): Likely benign. Review status: reviewed by expert panel (3 of 4 stars). 2 submissions from 2 submitters: Likely benign (1). 1 of the submissions does not count toward it. Last evaluated 2025-02-25.

Conditions:
Hereditary thrombocytopenia and hematologic cancer predisposition syndrome. Identifiers: Orphanet 71290, MedGen CN281654, MONDO:0011071.
Inborn genetic diseases. Identifiers: MedGen C0950123, MeSH D030342.

Submissions (2):

ClinGen Myeloid Malignancy Variant Curation Expert Panel
Classification: Likely benign for Hereditary thrombocytopenia and hematologic cancer predisposition syndrome. Last evaluated: 2025-02-25. Review status: reviewed by expert panel. Criteria: ClinGen MyeloMalig ACMG Specifications v2. Collection method: curation. Allele origin: germline. Inheritance: Autosomal dominant inheritance.
Comment: NM_001754.5(RUNX1):c.987G>T (p.Ala329=) is a synonymous variant. This variant is absent from the population database gnomAD v3 (PM2_supporting). This variant has a SpliceAI score ≤ 0.20 (0) and evolutionary conservation algorithms predict the site as not being conserved (PhyloP score ≤ 2.0 (-0.6) (BP7). In summary, this variant meets criteria to be classified as likely benign. ACMG/AMP criteria applied, as specified by the Myeloid Malignancy Variant Curation Expert Panel for RUNX1: PM2_supporting, BP4, BP7.

Ambry Genetics
Classification: Likely benign for Inborn genetic diseases. Last evaluated: 2024-12-08. Review status: criteria provided, single submitter. Criteria: Ambry Variant Classification Scheme 2023. Collection method: clinical testing. Allele origin: germline. Not counted in ClinVar's aggregate classification.

NM_001754.5(RUNX1):c.987G>T (p.Ala329=)

Gene: RUNX1 (RUNX family transcription factor 1; minus strand). Cytogenetic location: 21q22.12.
Variant type: single nucleotide variant.
Coding change: c.987G>T on transcript NM_001754.5 (MANE Select); coding-DNA position 987, G replaced by T.
Protein change: p.Ala329=; no amino-acid change (alanine 329 retained).
Molecular consequence: synonymous variant.
Genome position (GRCh38, 1-based): chr21:34,792,591, C>A on the plus strand (G>T on the coding strand, the complement: RUNX1 is on the minus strand). VCF-style: chr21-34792591-C-A. GRCh37 (hg19) VCF-style: chr21-36164888-C-A.
Other names: NM_001754.5(RUNX1):c.987G>T; p.Ala329=; c.906G>T, p.Ala302= (NM_001001890.3).
Identifiers: ClinVar variation 3436410 (VCV003436410.2).
Genomic context (GRCh38, chr21:34,792,591, plus strand): 5'-ATAGTGCATGCGGGGGTCGGAGATGGAGGGCAGCGCGGGGAACTGGCGCGGGTCGCTGAA[C>A]GCTGTCAGGTCGGGTGCCGCTGCAGGGCGGGCAAGAGAACGGAGCGGAAGTGAGTAGGAG-3'
Protein context (NP_001745.2, residues 319-339): SRLSTAPDLT[Ala329=]FSDPRQFPAL